The following is an entry in ClinVar:

ClinVar aggregate classification (germline): Conflicting classifications of pathogenicity. Review status: criteria provided, conflicting classifications (1 of 4 stars). 6 submissions from 6 submitters: Uncertain significance (1); Likely benign (3). 2 of the submissions do not count toward it. Last evaluated 2026-01-28.

Conditions:
FANCA-related disorder. Also called: FANCA-related condition.
Fanconi anemia (FA). Also called: Fanconi's anemia. Identifiers: Orphanet 84, MedGen C0015625, MeSH D005199, MONDO:0019391.
Fanconi anemia complementation group A (FANCA). Also called: FANCA-Related Fanconi Anemia; Fanconi anemia, group A. Identifiers: Orphanet 84, MedGen C3469521, MONDO:0009215, OMIM 227650.

Allele frequency attached by ClinVar (database versions not stated): gnomAD 0.00007 and 0.00010; gnomAD exomes 0.00008 and 0.00028; TOPMed 0.00014; ExAC 0.00030; 1000 Genomes Project 30x 0.00062; 1000 Genomes Project 0.00080.

Submissions (6):

Labcorp Genetics (formerly Invitae), Labcorp
Classification: Likely benign for Fanconi anemia. Last evaluated: 2026-01-28. Review status: criteria provided, single submitter. Criteria: Invitae Variant Classification Sherloc (09022015). Collection method: clinical testing. Allele origin: germline.

Blueprint Genetics
Classification: Likely benign. Last evaluated: 2024-07-16. Review status: criteria provided, single submitter. Criteria: ACMG Guidelines, 2015. Collection method: clinical testing. Allele origin: germline.

Quest Diagnostics Nichols Institute San Juan Capistrano
Classification: Likely benign. Last evaluated: 2023-05-30. Review status: criteria provided, single submitter. Criteria: Quest Diagnostics criteria. Collection method: clinical testing. Allele origin: unknown.

Mayo Clinic Laboratories, Mayo Clinic
Classification: Uncertain significance. Last evaluated: 2022-10-19. Review status: criteria provided, single submitter. Criteria: ACMG Guidelines, 2015. Collection method: clinical testing. Allele origin: germline. Observed: 1 variant allele.
Comment: BS1

PreventionGenetics, part of Exact Sciences
Classification: Likely benign for FANCA-related condition. Last evaluated: 2022-03-01. Review status: no assertion criteria provided. Collection method: clinical testing. Allele origin: germline. Not counted in ClinVar's aggregate classification.
Comment: This variant is classified as likely benign based on ACMG/AMP sequence variant interpretation guidelines (Richards et al. 2015 PMID: 25741868, with internal and published modifications).

Natera, Inc.
Classification: Likely benign for Fanconi anemia, group A. Last evaluated: 2020-09-16. Review status: no assertion criteria provided. Collection method: clinical testing. Allele origin: germline. Not counted in ClinVar's aggregate classification.

NM_000135.4(FANCA):c.2981+4dup

Gene: FANCA (FA complementation group A; minus strand). Cytogenetic location: 16q24.3.
Variant type: Duplication.
Coding change: c.2981+4dup on transcript NM_000135.4 (MANE Select); 4 bases into the intron after coding-DNA position 2981, one base duplicated (A; older notation c.2981+4dupA).
Molecular consequence: intron variant.
Genome position (GRCh38, 1-based): chr16:89,758,573, T duplicated on the plus strand (A on the coding strand, the reverse complement: FANCA is on the minus strand). VCF-style (leftmost placement, unchanged base first): chr16-89758572-C-CT. GRCh37 (hg19) VCF-style: chr16-89824980-C-CT.
Other names: c.2981+4dup (NM_000135.2, LRG_495t1, NM_001286167.3); c.2981+4dupA (NM_000135.4).
Identifiers: ClinVar variation 237045 (VCV000237045.18), dbSNP rs75004096, ClinGen allele CA8251414.